The following is an entry in ClinVar:

ClinVar aggregate classification (germline): Uncertain significance (1 of 4 stars; one submission).

Allele frequency attached by ClinVar (database versions not stated): gnomAD 0.00001; gnomAD exomes 0.00001; TOPMed 0.00001.
gnomAD v4.1: 14 of 1,614,162 alleles (0.00087%); highest among the groups gnomAD compares: Middle Eastern, 0.016%; no homozygotes.

Submission:

Labcorp Genetics (formerly Invitae), Labcorp
Classification: Uncertain significance. Last evaluated: 2022-08-09. Review status: criteria provided, single submitter. Criteria: Invitae Variant Classification Sherloc (09022015). Collection method: clinical testing. Allele origin: germline.
Comment: This sequence change replaces histidine, which is basic and polar, with arginine, which is basic and polar, at codon 354 of the HPS6 protein (p.His354Arg). This variant is present in population databases (no rsID available, gnomAD 0.0009%). This variant has not been reported in the literature in individuals affected with HPS6-related conditions. Algorithms developed to predict the effect of missense changes on protein structure and function (SIFT, PolyPhen-2, Align-GVGD) all suggest that this variant is likely to be tolerated. In summary, the available evidence is currently insufficient to determine the role of this variant in disease. Therefore, it has been classified as a Variant of Uncertain Significance.

NM_024747.6(HPS6):c.1061A>G (p.His354Arg)

Gene: HPS6 (HPS6 biogenesis of lysosomal organelles complex 2 subunit 3; plus strand). Cytogenetic location: 10q24.32.
Variant type: single nucleotide variant.
Coding change: c.1061A>G on transcript NM_024747.6 (MANE Select); coding-DNA position 1061, A replaced by G.
Protein change: p.His354Arg; replaces histidine 354 with arginine.
Molecular consequence: missense variant.
Genome position (GRCh38, 1-based): chr10:102,066,535, A>G. VCF-style: chr10-102066535-A-G. GRCh37 (hg19) VCF-style: chr10-103826292-A-G.
Other names: short protein forms H354R.
Identifiers: ClinVar variation 2155868 (VCV002155868.1), dbSNP rs1188207426, ClinGen allele CA377864025.